The following is an entry in ClinVar:

NM_001080442.3(SLC38A8):c.930C>A (p.Tyr310Ter)

Gene: SLC38A8 (solute carrier family 38 member 8; minus strand). Cytogenetic location: 16q23.3.
Variant type: single nucleotide variant.
Coding change: c.930C>A on transcript NM_001080442.3 (MANE Select); coding-DNA position 930, C replaced by A.
Protein change: p.Tyr310Ter; replaces tyrosine 310 with a stop codon.
Molecular consequence: nonsense.
Genome position (GRCh38, 1-based): chr16:84,017,163, G>T on the plus strand (C>A on the coding strand, the complement: SLC38A8 is on the minus strand). VCF-style: chr16-84017163-G-T. GRCh37 (hg19) VCF-style: chr16-84050768-G-T.
Other names: short protein forms Y310*.
Identifiers: ClinVar variation 2960819 (VCV002960819.4), dbSNP rs763615950, ClinGen allele CA8199918.

ClinVar aggregate classification (germline): Pathogenic/Likely pathogenic. Review status: criteria provided, multiple submitters, no conflicts (2 of 4 stars). 2 submissions from 2 submitters: Pathogenic (1); Likely pathogenic (1). Last evaluated 2024-06-17.

Conditions:
Foveal hypoplasia - optic nerve decussation defect - anterior segment dysgenesis syndrome. Also called: Foveal hypoplasia 2; FOVEAL HYPOPLASIA 2 WITH OR WITHOUT OPTIC NERVE MISROUTING AND/OR ANTERIOR SEGMENT DYSGENESIS; FOVEAL HYPOPLASIA 2 WITH OR WITHOUT MICROPHTHALMIA OR COLOBOMA; FOVEAL HYPOPLASIA 2 WITH OPTIC NERVE DECUSSATION DEFECTS AND ANTERIOR SEGMENT DYSGENESIS WITHOUT ALBINISM. Identifiers: Orphanet 397618, MedGen C3807873, MONDO:0012216, OMIM 609218.

Allele frequency attached by ClinVar (database versions not stated): ExAC 0.00001.
gnomAD v4.1: 8 of 1,614,154 alleles (0.0005%); highest among the groups gnomAD compares: Admixed American, 0.0033%; no homozygotes.

Submissions (2):

Fulgent Genetics
Classification: Likely pathogenic for Foveal hypoplasia - optic nerve decussation defect - anterior segment dysgenesis syndrome. Last evaluated: 2024-06-17. Review status: criteria provided, single submitter. Criteria: ACMG Guidelines, 2015. Collection method: clinical testing. Allele origin: germline.

Labcorp Genetics (formerly Invitae), Labcorp
Classification: Pathogenic. Last evaluated: 2023-05-12. Review status: criteria provided, single submitter. Criteria: Invitae Variant Classification Sherloc (09022015). Collection method: clinical testing. Allele origin: germline.
Comment: For these reasons, this variant has been classified as Pathogenic. Algorithms developed to predict the effect of sequence changes on RNA splicing suggest that this variant may disrupt the consensus splice site. This variant has not been reported in the literature in individuals affected with SLC38A8-related conditions. This variant is present in population databases (rs763615950, gnomAD 0.0009%). This sequence change creates a premature translational stop signal (p.Tyr310*) in the SLC38A8 gene. It is expected to result in an absent or disrupted protein product. Loss-of-function variants in SLC38A8 are known to be pathogenic (PMID: 24290379).

Literature cited by the submitters: PubMed 24290379 (cited by Labcorp Genetics (formerly Invitae), Labcorp).